The following is an entry in ClinVar:

NM_001018005.2(TPM1):c.403C>G (p.Gln135Glu)

Gene: TPM1 (tropomyosin 1; plus strand). Cytogenetic location: 15q22.2.
Variant type: single nucleotide variant.
Coding change: c.403C>G on transcript NM_001018005.2 (MANE Select); coding-DNA position 403, C replaced by G.
Protein change: p.Gln135Glu; replaces glutamine 135 with glutamic acid.
Molecular consequence: missense variant.
Genome position (GRCh38, 1-based): chr15:63,059,591, C>G. VCF-style: chr15-63059591-C-G. GRCh37 (hg19) VCF-style: chr15-63351790-C-G.
Other names: c.403C>G, p.Gln135Glu (NM_000366.6, NM_001018004.2, NM_001018006.2 and 6 more transcripts); c.295C>G, p.Gln99Glu (NM_001018008.2, NM_001301289.2, NM_001330344.2 and 5 more transcripts); c.529C>G, p.Gln177Glu (NM_001365778.1); short protein forms Q135E, Q177E, Q99E.
Identifiers: ClinVar variation 1011403 (VCV001011403.12), dbSNP rs11558749, ClinGen allele CA392722061.
Genomic context (GRCh38, chr15:63,059,591, plus strand): 5'-TCTTGGGTTTTCTTGCTTGTCTTTCTTTTCAGAGGCATGAAAGTCATTGAGAGTCGAGCC[C>G]AAAAAGATGAAGAAAAAATGGAAATTCAGGAGATCCAACTGAAAGAGGCCAAGCACATTG-3'
Protein context (NP_001018005.1, residues 125-145): RGMKVIESRA[Gln135Glu]KDEEKMEIQE

ClinVar aggregate classification (germline): Uncertain significance. Review status: criteria provided, multiple submitters, no conflicts (2 of 4 stars). 2 submissions from 2 submitters: Uncertain significance (2). Last evaluated 2023-06-29.

Conditions:
Hypertrophic cardiomyopathy. Also called: HYPERTROPHIC MYOCARDIOPATHY. Identifiers: Orphanet 217569, MedGen C0007194, MeSH D002312, MONDO:0005045, HP:0001639.

Submissions (2):

GeneDx
Classification: Uncertain significance. Last evaluated: 2023-06-29. Review status: criteria provided, single submitter. Criteria: GeneDx Variant Classification Process June 2021. Collection method: clinical testing. Allele origin: germline. Affected: yes.
Comment: Has not been previously published as pathogenic or benign to our knowledge; Not observed at significant frequency in large population cohorts (gnomAD); In silico analysis supports that this missense variant does not alter protein structure/function

Labcorp Genetics (formerly Invitae), Labcorp
Classification: Uncertain significance for Hypertrophic cardiomyopathy. Last evaluated: 2022-11-10. Review status: criteria provided, single submitter. Criteria: Invitae Variant Classification Sherloc (09022015). Collection method: clinical testing. Allele origin: germline.
Comment: This variant is not present in population databases (gnomAD no frequency). This sequence change replaces glutamine, which is neutral and polar, with glutamic acid, which is acidic and polar, at codon 135 of the TPM1 protein (p.Gln135Glu). This missense change has been observed in individual(s) with dilated cardiomyopathy (Invitae). It has also been observed to segregate with disease in related individuals. In summary, the available evidence is currently insufficient to determine the role of this variant in disease. Therefore, it has been classified as a Variant of Uncertain Significance. Algorithms developed to predict the effect of missense changes on protein structure and function (SIFT, PolyPhen-2, Align-GVGD) all suggest that this variant is likely to be tolerated. ClinVar contains an entry for this variant (Variation ID: 1011403).